The following is an entry in ClinVar:

NM_000321.3(RB1):c.2426T>G (p.Leu809Arg)

Gene: RB1 (RB transcriptional corepressor 1; plus strand). Cytogenetic location: 13q14.2.
Variant type: single nucleotide variant.
Coding change: c.2426T>G on transcript NM_000321.3 (MANE Select); coding-DNA position 2426, T replaced by G.
Protein change: p.Leu809Arg; replaces leucine 809 with arginine.
Molecular consequence: missense variant.
Genome position (GRCh38, 1-based): chr13:48,465,305, T>G. VCF-style: chr13-48465305-T-G. GRCh37 (hg19) VCF-style: chr13-49039441-T-G.
Other names: c.2426T>G, p.Leu809Arg (NM_001407165.1); short protein forms L809R.
Identifiers: ClinVar variation 3231222 (VCV003231222.4), dbSNP rs2138345964, ClinGen allele CA388167955.

ClinVar aggregate classification (germline): Uncertain significance. Review status: criteria provided, multiple submitters, no conflicts (2 of 4 stars). 3 submissions from 3 submitters: Uncertain significance (3). Last evaluated 2026-03-26.

Conditions:
Hereditary cancer-predisposing syndrome. Also called: Neoplastic Syndromes, Hereditary; Tumor predisposition; Hereditary neoplastic syndrome; Hereditary Cancer Syndrome. Identifiers: Orphanet 140162, MedGen C0027672, MeSH D009386, MONDO:0015356.
Retinoblastoma (RB1). Also called: RETINOBLASTOMA, SOMATIC. Identifiers: Orphanet 790, MedGen C0035335, MeSH D012175, MONDO:0008380, OMIM 180200, HP:0009919. Disease mechanism: loss of function. Inheritance: Both sporadic and heritable forms are tested..

Submissions (3):

GeneDx
Classification: Uncertain significance. Last evaluated: 2026-03-26. Review status: criteria provided, single submitter. Criteria: GeneDx Variant Classification Process June 2021. Collection method: clinical testing. Allele origin: germline.
Comment: Not observed at significant frequency in large population cohorts (gnomAD); In silico analysis supports that this missense variant has a deleterious effect on protein structure/function; Has not been previously published as pathogenic or benign to our knowledge; This variant is associated with the following publications: (PMID: 23516486)

Labcorp Genetics (formerly Invitae), Labcorp
Classification: Uncertain significance for Retinoblastoma. Last evaluated: 2024-04-24. Review status: criteria provided, single submitter. Criteria: Invitae Variant Classification Sherloc (09022015). Collection method: clinical testing. Allele origin: germline.
Comment: This sequence change replaces leucine, which is neutral and non-polar, with arginine, which is basic and polar, at codon 809 of the RB1 protein (p.Leu809Arg). This variant is not present in population databases (gnomAD no frequency). This variant has not been reported in the literature in individuals affected with RB1-related conditions. Advanced modeling of protein sequence and biophysical properties (such as structural, functional, and spatial information, amino acid conservation, physicochemical variation, residue mobility, and thermodynamic stability) performed at Invitae indicates that this missense variant is expected to disrupt RB1 protein function with a positive predictive value of 80%. In summary, the available evidence is currently insufficient to determine the role of this variant in disease. Therefore, it has been classified as a Variant of Uncertain Significance.

Ambry Genetics
Classification: Uncertain significance for Hereditary cancer-predisposing syndrome. Last evaluated: 2023-11-01. Review status: criteria provided, single submitter. Criteria: Ambry Variant Classification Scheme 2023. Collection method: clinical testing. Allele origin: germline.
Comment: The p.L809R variant (also known as c.2426T>G), located in coding exon 23 of the RB1 gene, results from a T to G substitution at nucleotide position 2426. The leucine at codon 809 is replaced by arginine, an amino acid with dissimilar properties. This amino acid position is conserved. In addition, the in silico prediction for this alteration is inconclusive. Since supporting evidence is limited at this time, the clinical significance of this alteration remains unclear.